The following is an entry in ClinVar:

ClinVar aggregate classification (germline): Uncertain significance (1 of 4 stars; one submission).

Conditions:
Joubert syndrome. Also called: CEREBELLOPARENCHYMAL DISORDER IV; JOUBERT-BOLTSHAUSER SYNDROME; Familial aplasia of the vermis. Identifiers: Orphanet 475, MedGen C5979921, MONDO:0018772.

Allele frequency attached by ClinVar (database versions not stated): TOPMed below 0.00001; gnomAD 0.00001; gnomAD exomes 0.00001.
gnomAD v4.1: 12 of 1,562,496 alleles (0.00077%); highest among the groups gnomAD compares: African/African-American, 0.0027%; no homozygotes.

Submission:

Labcorp Genetics (formerly Invitae), Labcorp
Classification: Uncertain significance for Joubert syndrome. Last evaluated: 2023-06-30. Review status: criteria provided, single submitter. Criteria: Invitae Variant Classification Sherloc (09022015). Collection method: clinical testing. Allele origin: germline.
Comment: ClinVar contains an entry for this variant (Variation ID: 1984346). In summary, the available evidence is currently insufficient to determine the role of this variant in disease. Therefore, it has been classified as a Variant of Uncertain Significance. Advanced modeling of protein sequence and biophysical properties (such as structural, functional, and spatial information, amino acid conservation, physicochemical variation, residue mobility, and thermodynamic stability) performed at Invitae indicates that this missense variant is not expected to disrupt AHI1 protein function. This variant has not been reported in the literature in individuals affected with AHI1-related conditions. This variant is present in population databases (no rsID available, gnomAD 0.01%). This sequence change replaces leucine, which is neutral and non-polar, with valine, which is neutral and non-polar, at codon 660 of the AHI1 protein (p.Leu660Val).

NM_001134831.2(AHI1):c.1978C>G (p.Leu660Val)

Gene: AHI1 (Abelson helper integration site 1; minus strand). Cytogenetic location: 6q23.3.
Variant type: single nucleotide variant.
Coding change: c.1978C>G on transcript NM_001134831.2 (MANE Select); coding-DNA position 1978, C replaced by G.
Protein change: p.Leu660Val; replaces leucine 660 with valine.
Molecular consequence: missense variant.
Genome position (GRCh38, 1-based): chr6:135,438,433, G>C on the plus strand (C>G on the coding strand, the complement: AHI1 is on the minus strand). VCF-style: chr6-135438433-G-C. GRCh37 (hg19) VCF-style: chr6-135759571-G-C.
Other names: c.1978C>G, p.Leu660Val (NM_001134830.2, NM_001134832.2, NM_001350503.2 and 2 more transcripts); short protein forms L660V.
Identifiers: ClinVar variation 1984346 (VCV001984346.4), dbSNP rs1394335930, ClinGen allele CA365744250.
Genomic context (GRCh38, chr6:135,438,433, plus strand): 5'-ACCTGGCAGTGCCATCAGATGATGAAGTAAGGATGTAGTGATCATCTTTTGACCAGGAAA[G>C]ATCATAAATGATATTGAGGTGGCCACACAATTCTCTCATGAAACGTCCAGAAGGAATTTC-3'
Protein context (NP_001128303.1, residues 650-670): LCGHLNIIYD[Leu660Val]SWSKDDHYIL